The following is an entry in ClinVar:

NM_053025.4(MYLK):c.5083_5092del (p.Phe1695fs)

Genes: MYLK (myosin light chain kinase; minus strand), MYLK-AS1 (MYLK antisense RNA 1; plus strand), LOC126806791 (MED14-independent group 3 enhancer GRCh37_chr3:123347871-123349070; plus strand). Cytogenetic location: 3q21.1.
Variant type: Deletion.
Coding change: c.5083_5092del on transcript NM_053025.4 (MANE Select); coding-DNA positions 5083 to 5092, 10 bases deleted (TTCATCAGCA; older notation c.5083_5092delTTCATCAGCA).
Protein change: p.Phe1695fs; shifts the reading frame from phenylalanine 1695.
Molecular consequence: frameshift variant. On other transcripts: non-coding transcript variant (2), intron variant (2).
Genome position (GRCh38, 1-based): chr3:123,629,496-123,629,505, TGCTGATGAA deleted on the plus strand (TTCATCAGCA on the coding strand, the reverse complement: MYLK is on the minus strand). VCF-style (leftmost placement, unchanged base first): chr3-123629495-TTGCTGATGAA-T. GRCh37 (hg19) VCF-style: chr3-123348342-TTGCTGATGAA-T.
Other names: c.4555_4564del, p.Phe1519fs (NM_001321309.2); c.4876_4885del, p.Phe1626fs (NM_053026.4); c.4755-2564_4755-2555del (NM_053028.4); c.4962-2564_4962-2555del (NM_053027.4); short protein forms F1626fs, F1519fs, F1695fs.
Identifiers: ClinVar variation 4711980 (VCV004711980.2).

ClinVar aggregate classification (germline): Conflicting classifications of pathogenicity. Review status: criteria provided, conflicting classifications (1 of 4 stars). 2 submissions from 2 submitters: Pathogenic (1); Uncertain significance (1). Last evaluated 2025-02-07.

Conditions:
Aortic aneurysm, familial thoracic 7 (AAT7). Also called: AORTIC DISSECTION, FAMILIAL, WITH OR WITHOUT AORTIC ANEURYSM. Identifiers: MedGen C3151077, MONDO:0013418, OMIM 613780.

Submissions (2):

Labcorp Genetics (formerly Invitae), Labcorp
Classification: Pathogenic for Aortic aneurysm, familial thoracic 7. Last evaluated: 2025-02-07. Review status: criteria provided, single submitter. Criteria: Invitae Variant Classification Sherloc (09022015). Collection method: clinical testing. Allele origin: germline.
Comment: This sequence change creates a premature translational stop signal (p.Phe1695Ilefs*3) in the MYLK gene. This variant occurs within the aortic-specific isoform of MYLK. Loss-of-function variants in the aortic-specific isoform of MYLK are known to be pathogenic for thoracic aortic dissections (PMID: 21055718). This variant is not present in population databases (gnomAD no frequency). This variant has not been reported in the literature in individuals affected with MYLK-related conditions. For these reasons, this variant has been classified as Pathogenic.

Blueprint Genetics
Classification: Uncertain significance. Last evaluated: 2020-09-09. Review status: criteria provided, single submitter. Criteria: ACMG Guidelines, 2015. Collection method: clinical testing. Allele origin: germline.

Literature cited by the submitters: PubMed 21055718 (cited by Labcorp Genetics (formerly Invitae), Labcorp).